The following is an entry in ClinVar:

NM_177438.3(DICER1):c.294C>G (p.Phe98Leu)

Gene: DICER1 (dicer 1, ribonuclease III; minus strand). Cytogenetic location: 14q32.13.
Variant type: single nucleotide variant.
Coding change: c.294C>G on transcript NM_177438.3 (MANE Select); coding-DNA position 294, C replaced by G.
Protein change: p.Phe98Leu; replaces phenylalanine 98 with leucine.
Molecular consequence: missense variant.
Genome position (GRCh38, 1-based): chr14:95,132,528, G>C on the plus strand (C>G on the coding strand, the complement: DICER1 is on the minus strand). VCF-style: chr14-95132528-G-C. GRCh37 (hg19) VCF-style: chr14-95598865-G-C.
Other names: c.294C>G, p.Phe98Leu (NM_001195573.1, NM_001271282.3, NM_001291628.2 and 1 more transcripts); short protein forms F98L.
Identifiers: ClinVar variation 822344 (VCV000822344.5), dbSNP rs1595465820, ClinGen allele CA390889642.
Genomic context (GRCh38, chr14:95,132,528, plus strand): 5'-CCCATCCAATTTCCCCTGCACAACTTGATAAAATAATTTTTTATTACCAGAGTTGACCAA[G>C]AACACCGTCCTTTTTCCATTTCTGCTGAAGTCTCCCCTGATCTGATAGGACAGCTCTTTA-3'
Protein context (NP_803187.1, residues 88-108): DFSRNGKRTV[Phe98Leu]LVNSANQVAQ

ClinVar aggregate classification (germline): Uncertain significance (1 of 4 stars; one submission).

Conditions:
Hereditary cancer-predisposing syndrome. Also called: Tumor predisposition; Hereditary Cancer Syndrome; Neoplastic Syndromes, Hereditary; Hereditary neoplastic syndrome. Identifiers: Orphanet 140162, MedGen C0027672, MeSH D009386, MONDO:0015356.

Submission:

Ambry Genetics
Classification: Uncertain significance for Hereditary cancer-predisposing syndrome. Last evaluated: 2025-11-25. Review status: criteria provided, single submitter. Criteria: Ambry Variant Classification Scheme 2023. Collection method: clinical testing. Allele origin: germline.
Comment: The p.F98L variant (also known as c.294C>G), located in coding exon 2 of the DICER1 gene, results from a C to G substitution at nucleotide position 294. The phenylalanine at codon 98 is replaced by leucine, an amino acid with highly similar properties. This amino acid position is highly conserved in available vertebrate species. In addition, this alteration is predicted to be deleterious by in silico analysis. Based on the available evidence, the clinical significance of this variant remains unclear.